The following is an entry in ClinVar:

NC_000019.9:g.(?_11150114)_(11150249_?)del

Gene: SMARCA4 (SWI/SNF related BAF chromatin remodeling complex subunit ATPase 4; plus strand). Cytogenetic location: 19p13.2.
Variant type: Deletion.
Identifiers: ClinVar variation 3248478 (VCV003248478.1).

ClinVar aggregate classification (germline): Uncertain significance (1 of 4 stars; one submission).

Conditions:
Rhabdoid tumor predisposition syndrome 2 (RTPS2). Identifiers: Orphanet 231108, Orphanet 69077, MedGen C2750074, MONDO:0013224, OMIM 613325.

Submission:

Labcorp Genetics (formerly Invitae), Labcorp
Classification: Uncertain significance for Rhabdoid tumor predisposition syndrome 2. Last evaluated: 2023-12-31. Review status: criteria provided, single submitter. Criteria: Invitae Variant Classification Sherloc (09022015). Collection method: clinical testing. Allele origin: unknown.
Comment: This variant is a gross deletion of the genomic region encompassing exon(s) 30 of the SMARCA4 gene. Loss-of-function variants in SMARCA4 are known to be pathogenic (PMID: 24658001, 24658002). However, tissue-specific alternative splicing of SMARCA4 gene results in functional isoforms lacking in-frame exon 30 (also known as exon 28B, PMID: 18437052). For this reason the clinical significance of loss of function variants in exon 30 is currently uncertain. This variant has not been reported in the literature in individuals affected with SMARCA4-related conditions. Experimental studies and prediction algorithms are not available or were not evaluated, and the functional significance of this variant is currently unknown. In summary, the available evidence is currently insufficient to determine the role of this variant in disease. Therefore, it has been classified as a Variant of Uncertain Significance.

Literature cited by the submitters: PubMed 24658001; PubMed 24658002.